The following is an entry in ClinVar:

NM_001077620.3(PRCD):c.*760C>T

Genes: CYGB (cytoglobin; minus strand), PRCD (photoreceptor disc component; plus strand). Cytogenetic location: 17q25.1.
Variant type: single nucleotide variant.
Coding change: c.*760C>T on transcript NM_001077620.3 (MANE Select); 760 bases downstream of the stop codon, C replaced by T.
Molecular consequence: 3 prime UTR variant. On other transcripts: non-coding transcript variant (1).
Genome position (GRCh38, 1-based): chr17:76,544,410, C>T. VCF-style: chr17-76544410-C-T. GRCh37 (hg19) VCF-style: chr17-74540492-C-T.
Identifiers: ClinVar variation 325486 (VCV000325486.6), dbSNP rs2278639, ClinGen allele CA8788035.

ClinVar aggregate classification (germline): Benign. Review status: criteria provided, multiple submitters, no conflicts (2 of 4 stars). 2 submissions from 2 submitters: Benign (2). Last evaluated 2018-01-13.

Conditions:
Retinitis pigmentosa (RP). Identifiers: Orphanet 791, MedGen C0035334, MeSH D012174, MONDO:0019200, OMIM 268000. Inheritance: Autosomal dominant, autosomal recessive and X linked inheritance.

Allele frequency attached by ClinVar (database versions not stated): gnomAD exomes 0.23517; TOPMed 0.24723; gnomAD 0.25158 and 0.25382; 1000 Genomes Project 0.27516; 1000 Genomes Project 30x 0.27795; ExAC 0.34415.
gnomAD v4.1: 112,440 of 454,642 alleles (25%); highest among the groups gnomAD compares: South Asian, 39%; 15,448 homozygotes.

Submissions (2):

Illumina Laboratory Services, Illumina
Classification: Benign for Retinitis pigmentosa. Last evaluated: 2018-01-13. Review status: criteria provided, single submitter. Criteria: ICSL Variant Classification Criteria 13 December 2019. Collection method: clinical testing. Allele origin: germline.
Comment: This variant was observed in the ICSL laboratory as part of a predisposition screen in an ostensibly healthy population. It had not been previously curated by ICSL or reported in the Human Gene Mutation Database (HGMD: prior to June 1st, 2018), and was therefore a candidate for classification through an automated scoring system. Utilizing variant allele frequency, disease prevalence and penetrance estimates, and inheritance mode, an automated score was calculated to assess if this variant is too frequent to cause the disease. Based on the score and internal cut-off values, a variant classified as benign is not then subjected to further curation. The score for this variant resulted in a classification of benign for this disease.

Breakthrough Genomics
Classification: Benign. Review status: criteria provided, single submitter. Criteria: ACMG Guidelines, 2015. Collection method: not provided. Allele origin: germline. Inheritance: Unknown mechanism. Affected: yes.